The following is an entry in ClinVar:

ClinVar aggregate classification (germline): Likely benign. Review status: criteria provided, multiple submitters, no conflicts (2 of 4 stars). 4 submissions from 4 submitters: Likely benign (4). Last evaluated 2025-05-05.

Conditions:
Oto-palato-digital syndrome, type II (OPD2). Also called: FACIOPALATOOSSEOUS SYNDROME; OPD II SYNDROME; Otopalatodigital Syndrome Type 2 (FLNA-OPD2); Otopalatodigital Syndrome, Type II. Identifiers: Orphanet 669, Orphanet 90652, MedGen C1844696, MONDO:0010571, OMIM 304120.
Heterotopia, periventricular, X-linked dominant (PVNH1). Also called: PERIVENTRICULAR NODULAR HETEROTOPIA 1; X-linked periventricular heterotopia; PERIVENTRICULAR NODULAR HETEROTOPIA 4; HETEROTOPIA, PERIVENTRICULAR, 1. Identifiers: Orphanet 2149, Orphanet 82004, MedGen C1848213, MONDO:0010233, OMIM 300049.
Frontometaphyseal dysplasia (FMD1). Identifiers: Orphanet 1826, MedGen C0265293, MONDO:0015942.
Melnick-Needles syndrome (MNS). Also called: MELNICK-NEEDLES OSTEODYSPLASTY; OSTEODYSPLASTY OF MELNICK AND NEEDLES; Melnick-Needles Syndrome (FLNA-MNS). Identifiers: Orphanet 2484, MedGen C0025237, MONDO:0010650, OMIM 309350.
Familial thoracic aortic aneurysm and aortic dissection (TAAD). Also called: Thoracic aortic aneurysms and dissections. Identifiers: Orphanet 91387, MedGen C4707243, MONDO:0019625.

Allele frequency attached by ClinVar (database versions not stated): ExAC 0.00001; gnomAD exomes 0.00001; TOPMed 0.00001; gnomAD 0.00003.
gnomAD v4.1: 14 of 1,209,992 alleles (0.0012%); highest among the groups gnomAD compares: South Asian, 0.0053%; no homozygotes.

Submissions (4):

Labcorp Genetics (formerly Invitae), Labcorp
Classification: Likely benign for Oto-palato-digital syndrome, type II; Heterotopia, periventricular, X-linked dominant; Frontometaphyseal dysplasia; Melnick-Needles syndrome. Last evaluated: 2025-05-05. Review status: criteria provided, single submitter. Criteria: Invitae Variant Classification Sherloc (09022015). Collection method: clinical testing. Allele origin: germline.

Women's Health and Genetics/Laboratory Corporation of America, LabCorp
Classification: Likely benign. Last evaluated: 2025-04-14. Review status: criteria provided, single submitter. Criteria: LabCorp Variant Classification Summary - May 2015. Collection method: clinical testing. Allele origin: germline.

Ambry Genetics
Classification: Likely benign for Familial thoracic aortic aneurysm and aortic dissection. Last evaluated: 2019-06-29. Review status: criteria provided, single submitter. Criteria: Ambry Variant Classification Scheme 2023. Collection method: clinical testing. Allele origin: germline.

GeneDx
Classification: Likely benign. Last evaluated: 2016-02-23. Review status: criteria provided, single submitter. Criteria: GeneDx Variant Classification (06012015). Collection method: clinical testing. Allele origin: germline. Affected: yes.
Comment: This variant is considered likely benign or benign based on one or more of the following criteria: it is a conservative change, it occurs at a poorly conserved position in the protein, it is predicted to be benign by multiple in silico algorithms, and/or has population frequency not consistent with disease.

NM_001110556.2(FLNA):c.4188C>T (p.Ser1396=)

Gene: FLNA (filamin A; minus strand). Cytogenetic location: Xq28.
Variant type: single nucleotide variant.
Coding change: c.4188C>T on transcript NM_001110556.2 (MANE Select); coding-DNA position 4188, C replaced by T.
Protein change: p.Ser1396=; no amino-acid change (serine 1396 retained).
Molecular consequence: synonymous variant.
Genome position (GRCh38, 1-based): chrX:154,359,361, G>A on the plus strand (C>T on the coding strand, the complement: FLNA is on the minus strand). VCF-style: chrX-154359361-G-A. GRCh37 (hg19) VCF-style: chrX-153587729-G-A.
Other names: c.4188C>T, p.Ser1396= (NM_001456.4).
Identifiers: ClinVar variation 384107 (VCV000384107.14), dbSNP rs781927602, ClinGen allele CA10560576.
Genomic context (GRCh38, chrX:154,359,361, plus strand): 5'-AGGGATGTACTCGACCGAGCAGCTGCCGTCCTTGTTATCCATGCAGGACATCTTGGCCTC[G>A]GAGGGGCCCTCTACAGCCAGGCCCAGGCCGCCCGTGCCAGCTCCCCTGGTCCAAACAGAC-3'
Protein context (NP_001104026.1, residues 1386-1406): GGLGLAVEGP[Ser1396=]EAKMSCMDNK